The following is an entry in ClinVar:

NM_001379200.1(TBX1):c.1073C>G (p.Ala358Gly)

Gene: TBX1 (T-box transcription factor 1; plus strand). Cytogenetic location: 22q11.21.
Variant type: single nucleotide variant.
Coding change: c.1073C>G on transcript NM_001379200.1 (MANE Select); coding-DNA position 1073, C replaced by G.
Protein change: p.Ala358Gly; replaces alanine 358 with glycine.
Molecular consequence: missense variant. On other transcripts: intron variant (2).
Genome position (GRCh38, 1-based): chr22:19,766,425, C>G. VCF-style: chr22-19766425-C-G. GRCh37 (hg19) VCF-style: chr22-19753948-C-G.
Other names: c.1046C>G, p.Ala349Gly (NM_080647.1); c.1009+423C>G (NM_005992.1, NM_080646.2); short protein forms A349G, A358G.
Identifiers: ClinVar variation 992543 (VCV000992543.3), dbSNP rs1452987245, ClinGen allele CA410684038.

ClinVar aggregate classification (germline): Uncertain significance (1 of 4 stars; one submission).

Conditions:
Conotruncal heart malformations (CTHM). Also called: Conotruncal heart malformations, variable. Identifiers: Orphanet 2445, Orphanet 3384, Orphanet 3426, MedGen C1857586, MONDO:0016581, OMIM 217095.
Velocardiofacial syndrome (VCFS). Also called: SHPRINTZEN VCF SYNDROME; VCF SYNDROME; Shprintzen syndrome. Identifiers: Orphanet 567, MedGen C0220704, MONDO:0008644, OMIM 192430. Disease mechanism: loss of function.
DiGeorge syndrome. Also called: Catch22; THIRD AND FOURTH PHARYNGEAL POUCH SYNDROME. Identifiers: Orphanet 567, MedGen C0012236, MONDO:0008564, OMIM 188400.
Tetralogy of Fallot (TOF). Identifiers: Orphanet 3303, MedGen C0039685, MONDO:0008542, OMIM 187500, HP:0001636.

Submission:

Center for Genomics, Ann and Robert H. Lurie Children's Hospital of Chicago
Classification: Uncertain significance for Tetralogy of Fallot; DiGeorge syndrome; Conotruncal heart malformations; Velocardiofacial syndrome. Review status: criteria provided, single submitter. Criteria: ACMG Guidelines, 2015. Collection method: clinical testing. Allele origin: germline.
Comment: TBX1 NM_080647.1 exon 9 p.Ala349Gly (c.1046C>G): This variant has not been reported in the literature and is not present in large control databases. This variant amino acid Glycine (Gly) is present in 4 species (guinea pig, naked mole rat, brush tailed rat, peregrine falcon) and is not well conserved among evolutionarily distant species; this suggests that this variant may not impact the protein. Additional computational prediction tools do not suggest an impact. In summary, data on this variant is insufficient for disease classification. Therefore, the clinical significance of this variant is uncertain.